The following is an entry in ClinVar:

NM_001283009.2(RTEL1):c.2665G>C (p.Ala889Pro)

Genes: RTEL1 (regulator of telomere elongation helicase 1; plus strand), RTEL1-TNFRSF6B (RTEL1-TNFRSF6B readthrough (NMD candidate); plus strand). Cytogenetic location: 20q13.33.
Variant type: single nucleotide variant.
Coding change: c.2665G>C on transcript NM_001283009.2 (MANE Select); coding-DNA position 2665, G replaced by C.
Protein change: p.Ala889Pro; replaces alanine 889 with proline.
Molecular consequence: missense variant. On other transcripts: non-coding transcript variant (1).
Genome position (GRCh38, 1-based): chr20:63,692,817, G>C. VCF-style: chr20-63692817-G-C. GRCh37 (hg19) VCF-style: chr20-62324170-G-C.
Other names: c.1996G>C, p.Ala666Pro (NM_001283010.1); c.2665G>C, p.Ala889Pro (NM_016434.4); c.2737G>C, p.Ala913Pro (NM_032957.5); short protein forms A889P, A913P, A666P.
Identifiers: ClinVar variation 2932332 (VCV002932332.4), dbSNP rs930464846, ClinGen allele CA409682794.

ClinVar aggregate classification (germline): Uncertain significance. Review status: criteria provided, multiple submitters, no conflicts (2 of 4 stars). 2 submissions from 2 submitters: Uncertain significance (2). Last evaluated 2025-05-18.

Conditions:
Pulmonary fibrosis and/or bone marrow failure, Telomere-related, 3. Also called: PULMONARY FIBROSIS AND/OR BONE MARROW FAILURE SYNDROME, TELOMERE-RELATED, 3. Identifiers: Orphanet 2032, MedGen C4225346, MONDO:0014613, OMIM 616373.
Dyskeratosis congenita, autosomal recessive 5 (DKCB5). Identifiers: MedGen C3554656, MONDO:0014076, OMIM 615190.
Inborn genetic diseases. Identifiers: MedGen C0950123, MeSH D030342.

gnomAD v4.1: 1 of 1,611,170 alleles (0.000062%); highest among the groups gnomAD compares: South Asian, 0.0011%; no homozygotes.

Submissions (2):

Ambry Genetics
Classification: Uncertain significance for Inborn genetic diseases. Last evaluated: 2025-05-18. Review status: criteria provided, single submitter. Criteria: Ambry Variant Classification Scheme 2023. Collection method: clinical testing. Allele origin: germline.
Comment: The p.A889P variant (also known as c.2665G>C), located in coding exon 28 of the RTEL1 gene, results from a G to C substitution at nucleotide position 2665. The alanine at codon 889 is replaced by proline, an amino acid with highly similar properties. This amino acid position is conserved. In addition, this alteration is predicted to be tolerated by in silico analysis. Based on the available evidence, the clinical significance of this variant remains unclear.

Labcorp Genetics (formerly Invitae), Labcorp
Classification: Uncertain significance for Dyskeratosis congenita, autosomal recessive 5; Pulmonary fibrosis and/or bone marrow failure, Telomere-related, 3. Last evaluated: 2024-01-16. Review status: criteria provided, single submitter. Criteria: Invitae Variant Classification Sherloc (09022015). Collection method: clinical testing. Allele origin: germline.
Comment: This sequence change replaces alanine, which is neutral and non-polar, with proline, which is neutral and non-polar, at codon 889 of the RTEL1 protein (p.Ala889Pro). This variant is not present in population databases (gnomAD no frequency). This variant has not been reported in the literature in individuals affected with RTEL1-related conditions. An algorithm developed to predict the effect of missense changes on protein structure and function (PolyPhen-2) suggests that this variant is likely to be tolerated. In summary, the available evidence is currently insufficient to determine the role of this variant in disease. Therefore, it has been classified as a Variant of Uncertain Significance.